The following is an entry in ClinVar:

NM_001159773.2(CANT1):c.780G>T (p.Glu260Asp)

Gene: CANT1 (calcium activated nucleotidase 1; minus strand). Cytogenetic location: 17q25.3.
Variant type: single nucleotide variant.
Coding change: c.780G>T on transcript NM_001159773.2 (MANE Select); coding-DNA position 780, G replaced by T.
Protein change: p.Glu260Asp; replaces glutamic acid 260 with aspartic acid.
Molecular consequence: missense variant.
Genome position (GRCh38, 1-based): chr17:78,995,073, C>A on the plus strand (G>T on the coding strand, the complement: CANT1 is on the minus strand). VCF-style: chr17-78995073-C-A. GRCh37 (hg19) VCF-style: chr17-76991155-C-A.
Other names: c.780G>T, p.Glu260Asp (NM_001159772.2, NM_138793.4); short protein forms E260D.
Identifiers: ClinVar variation 1031152 (VCV001031152.2), dbSNP rs1438123632, ClinGen allele CA401307082.

ClinVar aggregate classification (germline): Uncertain significance. Review status: criteria provided, multiple submitters, no conflicts (2 of 4 stars). 2 submissions from 2 submitters: Uncertain significance (2). Last evaluated 2025-08-30.

Conditions:
Inborn genetic diseases. Identifiers: MedGen C0950123, MeSH D030342.
Desbuquois dysplasia 1 (DBQD1). Also called: MICROMELIC DWARFISM WITH VERTEBRAL AND METAPHYSEAL ABNORMALITIES AND ADVANCED CARPOTARSAL OSSIFICATION; DESBUQUOIS DYSPLASIA 1, KIM VARIANT. Identifiers: Orphanet 1425, MedGen C4012146, MONDO:0009629, OMIM 251450.

Allele frequency attached by ClinVar (database versions not stated): gnomAD exomes 0.00001.

Submissions (2):

Ambry Genetics
Classification: Uncertain significance for Inborn genetic diseases. Last evaluated: 2025-08-30. Review status: criteria provided, single submitter. Criteria: Ambry Variant Classification Scheme 2023. Collection method: clinical testing. Allele origin: germline.

Baylor Genetics
Classification: Uncertain significance for Desbuquois dysplasia 1. Last evaluated: 2019-11-25. Review status: criteria provided, single submitter. Criteria: ACMG Guidelines, 2015. Collection method: clinical testing. Allele origin: unknown. Affected: yes.
Comment: This variant was determined to be of uncertain significance according to ACMG Guidelines, 2015 [PMID:25741868].